The following is an entry in ClinVar:

ClinVar aggregate classification (germline): Likely benign. Review status: criteria provided, single submitter (1 of 4 stars). 2 submissions from 2 submitters: Likely benign (1). 1 of the submissions does not count toward it. Last evaluated 2024-05-08.

Conditions:
PXDN-related disorder. Also called: PXDN-related condition.
Anterior segment dysgenesis 7 (ASGD7). Also called: Anterior segment dysgenesis 7, with sclerocornea; SCLEROCORNEA WITH OTHER OCULAR ANOMALIES. Identifiers: Orphanet 289499, MedGen C3151617, MONDO:0010015, OMIM 269400.

Allele frequency attached by ClinVar (database versions not stated): ExAC 0.00003; ESP Exome Variant Server 0.00008; gnomAD 0.00011 and 0.00014; TOPMed 0.00014.
gnomAD v4.1: 70 of 1,613,338 alleles (0.0043%); highest among the groups gnomAD compares: African/African-American, 0.027%; no homozygotes.

Submissions (2):

Labcorp Genetics (formerly Invitae), Labcorp
Classification: Likely benign for Anterior segment dysgenesis 7. Last evaluated: 2024-05-08. Review status: criteria provided, single submitter. Criteria: Invitae Variant Classification Sherloc (09022015). Collection method: clinical testing. Allele origin: germline.

PreventionGenetics, part of Exact Sciences
Classification: Likely benign for PXDN-related condition. Last evaluated: 2024-06-12. Review status: no assertion criteria provided. Collection method: clinical testing. Allele origin: germline. Not counted in ClinVar's aggregate classification.
Comment: This variant is classified as likely benign based on ACMG/AMP sequence variant interpretation guidelines (Richards et al. 2015 PMID: 25741868, with internal and published modifications).

NM_012293.3(PXDN):c.3411G>A (p.Thr1137=)

Gene: PXDN (peroxidasin; minus strand). Cytogenetic location: 2p25.3.
Variant type: single nucleotide variant.
Coding change: c.3411G>A on transcript NM_012293.3 (MANE Select); coding-DNA position 3411, G replaced by A.
Protein change: p.Thr1137=; no amino-acid change (threonine 1137 retained).
Molecular consequence: synonymous variant.
Genome position (GRCh38, 1-based): chr2:1,648,369, C>T on the plus strand (G>A on the coding strand, the complement: PXDN is on the minus strand). VCF-style: chr2-1648369-C-T. GRCh37 (hg19) VCF-style: chr2-1652141-C-T.
Identifiers: ClinVar variation 778170 (VCV000778170.6), dbSNP rs377568844, ClinGen allele CA1512745.